The following is an entry in ClinVar:

NM_001134831.2(AHI1):c.2867C>T (p.Pro956Leu)

Gene: AHI1 (Abelson helper integration site 1; minus strand). Cytogenetic location: 6q23.3.
Variant type: single nucleotide variant.
Coding change: c.2867C>T on transcript NM_001134831.2 (MANE Select); coding-DNA position 2867, C replaced by T.
Protein change: p.Pro956Leu; replaces proline 956 with leucine.
Molecular consequence: missense variant.
Genome position (GRCh38, 1-based): chr6:135,411,442, G>A on the plus strand (C>T on the coding strand, the complement: AHI1 is on the minus strand). VCF-style: chr6-135411442-G-A. GRCh37 (hg19) VCF-style: chr6-135732580-G-A.
Other names: c.2867C>T, p.Pro956Leu (NM_001134830.2, NM_001134832.2, NM_001350503.2 and 2 more transcripts); short protein forms P956L.
Identifiers: ClinVar variation 4746279 (VCV004746279.1).
Genomic context (GRCh38, chr6:135,411,442, plus strand): 5'-ATCTTCGTTGAAGAACTTTCAGTGTGGACAAATTCATCAATCTGAAAAGAGCCTTGATGG[G>A]GTAGTTTTGGACAGGTACATAGGGCATCTTGACTTTGGTGTATTCCAGGTAATGGAAATG-3'
Protein context (NP_001128303.1, residues 946-966): QDALCTCPKL[Pro956Leu]HQGSFQIDEF

ClinVar aggregate classification (germline): Uncertain significance (1 of 4 stars; one submission).

Conditions:
Joubert syndrome. Also called: CEREBELLOPARENCHYMAL DISORDER IV; JOUBERT-BOLTSHAUSER SYNDROME; Familial aplasia of the vermis. Identifiers: Orphanet 475, MedGen C5979921, MONDO:0018772.

gnomAD v4.1: 2 of 1,613,740 alleles (0.00012%); highest among the groups gnomAD compares: South Asian, 0.0011%; no homozygotes.

Submission:

Labcorp Genetics (formerly Invitae), Labcorp
Classification: Uncertain significance for Joubert syndrome. Last evaluated: 2025-08-04. Review status: criteria provided, single submitter. Criteria: Invitae Variant Classification Sherloc (09022015). Collection method: clinical testing. Allele origin: germline.
Comment: This sequence change replaces proline, which is neutral and non-polar, with leucine, which is neutral and non-polar, at codon 956 of the AHI1 protein (p.Pro956Leu). This variant is present in population databases (rs781584615, gnomAD 0.003%). This variant has not been reported in the literature in individuals affected with AHI1-related conditions. Invitae Evidence Modeling of protein sequence and biophysical properties (such as structural, functional, and spatial information, amino acid conservation, physicochemical variation, residue mobility, and thermodynamic stability) indicates that this missense variant is not expected to disrupt AHI1 protein function with a negative predictive value of 95%. In summary, the available evidence is currently insufficient to determine the role of this variant in disease. Therefore, it has been classified as a Variant of Uncertain Significance.